The following is an entry in ClinVar:

ClinVar aggregate classification (germline): Uncertain significance (1 of 4 stars; one submission).

Conditions:
Hereditary cancer-predisposing syndrome. Also called: Neoplastic Syndromes, Hereditary; Tumor predisposition; Hereditary Cancer Syndrome; Hereditary neoplastic syndrome. Identifiers: Orphanet 140162, MedGen C0027672, MeSH D009386, MONDO:0015356.

Submission:

Ambry Genetics
Classification: Uncertain significance for Hereditary cancer-predisposing syndrome. Last evaluated: 2022-03-29. Review status: criteria provided, single submitter. Criteria: Ambry Variant Classification Scheme 2023. Collection method: clinical testing. Allele origin: germline.
Comment: The p.T113A variant (also known as c.337A>G), located in coding exon 3 of the EPCAM gene, results from an A to G substitution at nucleotide position 337. The threonine at codon 113 is replaced by alanine, an amino acid with similar properties. This amino acid position is conserved. In addition, the in silico prediction for this alteration is inconclusive. Since supporting evidence is limited at this time, the clinical significance of this alteration remains unclear.

NM_002354.3(EPCAM):c.337A>G (p.Thr113Ala)

Gene: EPCAM (epithelial cell adhesion molecule; plus strand). Cytogenetic location: 2p21.
Variant type: single nucleotide variant.
Coding change: c.337A>G on transcript NM_002354.3 (MANE Select); coding-DNA position 337, A replaced by G.
Protein change: p.Thr113Ala; replaces threonine 113 with alanine.
Molecular consequence: missense variant.
Genome position (GRCh38, 1-based): chr2:47,373,960, A>G. VCF-style: chr2-47373960-A-G. GRCh37 (hg19) VCF-style: chr2-47601099-A-G.
Other names: short protein forms T113A.
Identifiers: ClinVar variation 1730797 (VCV001730797.2), dbSNP rs2103747637, ClinGen allele CA346723260.